The following is an entry in ClinVar:

ClinVar aggregate classification (germline): Uncertain significance. Review status: criteria provided, single submitter (1 of 4 stars). 2 submissions from 2 submitters: Uncertain significance (1). 1 of the submissions does not count toward it. Last evaluated 2018-04-08.

Conditions:
Charcot-Marie-Tooth disease. Also called: Charcot-Marie-Tooth Neuropathy; Charcot-Marie-Tooth Hereditary Neuropathy. Identifiers: Orphanet 166, MedGen C0007959, MONDO:0015626.
Charcot-Marie-Tooth disease type 2. Also called: Charcot-Marie-Tooth type 2. Identifiers: Orphanet 64746, MedGen C0270914, MONDO:0018993.

Allele frequency attached by ClinVar (database versions not stated): gnomAD 0.00001; gnomAD exomes 0.00001.
gnomAD v4.1: 6 of 1,613,270 alleles (0.00037%); highest among the groups gnomAD compares: Non-Finnish European, 0.00051%; no homozygotes.

Submissions (2):

Labcorp Genetics (formerly Invitae), Labcorp
Classification: Uncertain significance for Charcot-Marie-Tooth disease type 2. Last evaluated: 2018-04-08. Review status: criteria provided, single submitter. Criteria: Invitae Variant Classification Sherloc (09022015). Collection method: clinical testing. Allele origin: germline.
Comment: In summary, the available evidence is currently insufficient to determine the role of this variant in disease. Therefore, it has been classified as a Variant of Uncertain Significance. Algorithms developed to predict the effect of missense changes on protein structure and function output the following: SIFT: "Tolerated"; PolyPhen-2: "Benign"; Align-GVGD: "Class C0". The threonine amino acid residue is found in multiple mammalian species, suggesting that this missense change does not adversely affect protein function. These predictions have not been confirmed by published functional studies and their clinical significance is uncertain. This variant has been reported in an individual affected with axonal neuropathy (PMID: 24126688). This variant is not present in population databases (ExAC no frequency). This sequence change replaces alanine with threonine at codon 485 of the MFN2 protein (p.Ala485Thr). The alanine residue is moderately conserved and there is a small physicochemical difference between alanine and threonine.

Inherited Neuropathy Consortium
Classification: Uncertain significance for Charcot-Marie-Tooth disease. Review status: no assertion criteria provided. Collection method: literature only. Allele origin: germline. Affected: yes. Not counted in ClinVar's aggregate classification.

Literature cited by the submitters: PubMed 24126688 (cited by Labcorp Genetics (formerly Invitae), Labcorp and Inherited Neuropathy Consortium).

NM_014874.4(MFN2):c.1453G>A (p.Ala485Thr)

Gene: MFN2 (mitofusin 2; plus strand). Cytogenetic location: 1p36.22.
Variant type: single nucleotide variant.
Coding change: c.1453G>A on transcript NM_014874.4 (MANE Select); coding-DNA position 1453, G replaced by A.
Protein change: p.Ala485Thr; replaces alanine 485 with threonine.
Molecular consequence: missense variant.
Genome position (GRCh38, 1-based): chr1:12,004,885, G>A. VCF-style: chr1-12004885-G-A. GRCh37 (hg19) VCF-style: chr1-12064942-G-A.
Other names: c.1453G>A, p.Ala485Thr (NM_001127660.2); short protein forms A485T.
Identifiers: ClinVar variation 637720 (VCV000637720.9), dbSNP rs1320374657, ClinGen allele CA338446806.